The following is an entry in ClinVar:

ClinVar aggregate classification (germline): Pathogenic. Review status: criteria provided, multiple submitters, no conflicts (2 of 4 stars). 2 submissions from 2 submitters: Pathogenic (2). Last evaluated 2025-11-27.

Conditions:
Carnitine palmitoyl transferase 1A deficiency. Also called: CPT I DEFICIENCY; CPT DEFICIENCY, HEPATIC, TYPE I; Carnitine palmitoyltransferase 1A deficiency; Carnitine palmitoyltransferase type I deficiency; CPT deficiency, hepatic, type IA. Identifiers: Orphanet 156, MedGen C1829703, MONDO:0009705, OMIM 255120.

Allele frequency attached by ClinVar (database versions not stated): gnomAD exomes below 0.00001.

Submissions (2):

Myriad Genetics, Inc.
Classification: Pathogenic for Carnitine palmitoyl transferase 1A deficiency. Last evaluated: 2025-11-27. Review status: criteria provided, single submitter. Criteria: Myriad Autosomal Dominant, Autosomal Recessive and X-Linked Classification Criteria (2023). Collection method: clinical testing. Allele origin: unknown.
Comment: NM_001876.3(CPT1A):c.2062C>T(Q688*) is expected to be pathogenic in the context of carnitine palmitoyltransferase IA deficiency. This variant is predicted to lead to an abnormal or absent protein product due to the creation of a premature termination codon in CPT1A, a gene where loss-of-function variants are known to be pathogenic. Please note: this variant was assessed in the context of healthy population screening.

Labcorp Genetics (formerly Invitae), Labcorp
Classification: Pathogenic for Carnitine palmitoyl transferase 1A deficiency. Last evaluated: 2023-08-07. Review status: criteria provided, single submitter. Criteria: Invitae Variant Classification Sherloc (09022015). Collection method: clinical testing. Allele origin: germline.
Comment: For these reasons, this variant has been classified as Pathogenic. This variant has not been reported in the literature in individuals affected with CPT1A-related conditions. This variant is not present in population databases (gnomAD no frequency). This sequence change creates a premature translational stop signal (p.Gln688*) in the CPT1A gene. It is expected to result in an absent or disrupted protein product. Loss-of-function variants in CPT1A are known to be pathogenic (PMID: 16169268).

Literature cited by the submitters: PubMed 16169268 (cited by Labcorp Genetics (formerly Invitae), Labcorp).

NM_001876.4(CPT1A):c.2062C>T (p.Gln688Ter)

Gene: CPT1A (carnitine palmitoyltransferase 1A; minus strand). Cytogenetic location: 11q13.3.
Variant type: single nucleotide variant.
Coding change: c.2062C>T on transcript NM_001876.4 (MANE Select); coding-DNA position 2062, C replaced by T.
Protein change: p.Gln688Ter; replaces glutamine 688 with a stop codon.
Molecular consequence: nonsense.
Genome position (GRCh38, 1-based): chr11:68,760,305, G>A on the plus strand (C>T on the coding strand, the complement: CPT1A is on the minus strand). VCF-style: chr11-68760305-G-A. GRCh37 (hg19) VCF-style: chr11-68527773-G-A.
Other names: c.2062C>T, p.Gln688Ter (NM_001031847.3); short protein forms Q688*.
Identifiers: ClinVar variation 2988992 (VCV002988992.4), dbSNP rs2495506363, ClinGen allele CA381626126.